The following is an entry in ClinVar:

NM_005634.3(SOX3):c.726_737dup (p.Ala248_Ser249insAlaAlaAlaAla)

Gene: SOX3 (SRY-box transcription factor 3; minus strand). Cytogenetic location: Xq27.1.
Variant type: Duplication.
Coding change: c.726_737dup on transcript NM_005634.3 (MANE Select); coding-DNA positions 726 to 737, 12 bases duplicated (GGCCGCAGCCGC).
Protein change: p.Ala248_Ser249insAlaAlaAlaAla.
Molecular consequence: inframe insertion.
Genome position (GRCh38, 1-based): chrX:140,504,324-140,504,335, GCGGCTGCGGCC duplicated on the plus strand (GGCCGCAGCCGC on the coding strand, the reverse complement: SOX3 is on the minus strand); duplicating any 12 consecutive bases within chrX:140,504,324-140,504,340 gives the same sequence; the c. name uses the placement nearest the transcript's 3' end. VCF-style (leftmost placement, unchanged base first): chrX-140504323-A-AGCGGCTGCGGCC. GRCh37 (hg19) VCF-style: chrX-139586488-A-AGCGGCTGCGGCC.
Identifiers: ClinVar variation 4984188 (VCV004984188.1).

ClinVar aggregate classification (germline): Uncertain significance (1 of 4 stars; one submission).

Conditions:
SOX3-related disorder. Also called: SOX3-related condition; SOX3-Related Disorders.

Submission:

PreventionGenetics, part of Exact Sciences
Classification: Uncertain significance for SOX3-related condition. Last evaluated: 2025-07-28. Review status: criteria provided, single submitter. Criteria: ACMG Guidelines, 2015. Collection method: clinical testing. Allele origin: germline.
Comment: The SOX3 c.726_737dup12 variant is predicted to result in an in-frame duplication (p.Ala245_Ala248dup). To our knowledge, this variant has not been reported in the literature or in a large population database (gnomAD), indicating this variant is rare. At this time, the clinical significance of this variant is uncertain due to the absence of conclusive functional and genetic evidence.